The following is an entry in ClinVar:

ClinVar aggregate classification (germline): Uncertain significance (1 of 4 stars; one submission).

Allele frequency attached by ClinVar (database versions not stated): gnomAD exomes below 0.00001; TOPMed below 0.00001.
gnomAD v4.1: 1 of 1,614,060 alleles (0.000062%); highest among the groups gnomAD compares: African/African-American, 0.0013%; no homozygotes.

Submission:

Labcorp Genetics (formerly Invitae), Labcorp
Classification: Uncertain significance. Last evaluated: 2023-04-15. Review status: criteria provided, single submitter. Criteria: Invitae Variant Classification Sherloc (09022015). Collection method: clinical testing. Allele origin: germline.
Comment: In summary, the available evidence is currently insufficient to determine the role of this variant in disease. Therefore, it has been classified as a Variant of Uncertain Significance. Advanced modeling of protein sequence and biophysical properties (such as structural, functional, and spatial information, amino acid conservation, physicochemical variation, residue mobility, and thermodynamic stability) performed at Invitae indicates that this missense variant is expected to disrupt ACTN1 protein function. This variant has not been reported in the literature in individuals affected with ACTN1-related conditions. This variant is not present in population databases (gnomAD no frequency). This sequence change replaces serine, which is neutral and polar, with asparagine, which is neutral and polar, at codon 284 of the ACTN1 protein (p.Ser284Asn).

NM_001130004.2(ACTN1):c.851G>A (p.Ser284Asn)

Gene: ACTN1 (actinin alpha 1; minus strand). Cytogenetic location: 14q24.1.
Variant type: single nucleotide variant.
Coding change: c.851G>A on transcript NM_001130004.2 (MANE Select); coding-DNA position 851, G replaced by A.
Protein change: p.Ser284Asn; replaces serine 284 with asparagine.
Molecular consequence: missense variant.
Genome position (GRCh38, 1-based): chr14:68,893,659, C>T on the plus strand (G>A on the coding strand, the complement: ACTN1 is on the minus strand). VCF-style: chr14-68893659-C-T. GRCh37 (hg19) VCF-style: chr14-69360376-C-T.
Other names: c.851G>A, p.Ser284Asn (NM_001102.4, NM_001130005.2, NM_001411035.1 and 9 more transcripts); c.656G>A, p.Ser219Asn (NM_001411036.1, NM_001424028.1, NM_001424026.1); c.977G>A, p.Ser326Asn (NM_001424013.1); c.938G>A, p.Ser313Asn (NM_001424015.1); c.26G>A, p.Ser9Asn (NM_001424030.1); c.848G>A, p.Ser283Asn (NM_001424017.1); c.788G>A, p.Ser263Asn (NM_001424018.1, NM_001424020.1, NM_001424022.1); c.782G>A, p.Ser261Asn (NM_001424021.1); short protein forms S283N, S326N, S313N, S219N, S261N, S263N, S284N, S9N.
Identifiers: ClinVar variation 2776536 (VCV002776536.3), dbSNP rs2032667973, ClinGen allele CA390189171.